The following is an entry in ClinVar:

NM_004415.4(DSP):c.1418A>G (p.Gln473Arg)

Gene: DSP (desmoplakin; plus strand). Cytogenetic location: 6p24.3.
Variant type: single nucleotide variant.
Coding change: c.1418A>G on transcript NM_004415.4 (MANE Select); coding-DNA position 1418, A replaced by G.
Protein change: p.Gln473Arg; replaces glutamine 473 with arginine.
Molecular consequence: missense variant.
Genome position (GRCh38, 1-based): chr6:7,568,588, A>G. VCF-style: chr6-7568588-A-G. GRCh37 (hg19) VCF-style: chr6-7568821-A-G.
Other names: c.1418A>G, p.Gln473Arg (NM_001008844.3, NM_001319034.2); short protein forms Q473R.
Identifiers: ClinVar variation 927141 (VCV000927141.4), dbSNP rs746802503, ClinGen allele CA027921.

ClinVar aggregate classification (germline): Uncertain significance. Review status: criteria provided, multiple submitters, no conflicts (2 of 4 stars). 2 submissions from 2 submitters: Uncertain significance (2). Last evaluated 2021-07-13.

Conditions:
Lethal acantholytic epidermolysis bullosa (EBLA). Identifiers: Orphanet 158687, MedGen C1864826, MONDO:0012323, OMIM 609638.
Woolly hair-skin fragility syndrome (WHSF). Identifiers: Orphanet 293165, MedGen C1843292, MONDO:0957307, OMIM 620415.
Arrhythmogenic cardiomyopathy with wooly hair and keratoderma. Also called: PALMOPLANTAR KERATODERMA WITH LEFT VENTRICULAR CARDIOMYOPATHY AND WOOLLY HAIR; Carvajal syndrome; Dilated cardiomyopathy with woolly hair and keratoderma; Arrhythmogenic cardiomyopathy with woolly hair and keratoderma. Identifiers: Orphanet 65282, MedGen C1854063, MONDO:0011581, OMIM 605676.
Cardiomyopathy, dilated, with wooly hair, keratoderma, and tooth agenesis. Also called: Cardiomyopathy, dilated, with woolly hair, keratoderma, and tooth agenesis; Erythrokeratodermia-cardiomyopathy syndrome. Identifiers: Orphanet 476096, Orphanet 65282, MedGen C4014393, MONDO:0014355, OMIM 615821.
Arrhythmogenic right ventricular dysplasia 8 (ARVD8). Also called: ARRHYTHMOGENIC RIGHT VENTRICULAR DYSPLASIA, FAMILIAL, 8; Arrhythmogenic Right Ventricular Dysplasia/Cardiomyopathy 8; ARRHYTHMOGENIC RIGHT VENTRICULAR CARDIOMYOPATHY 8. Identifiers: MedGen C1843896, MONDO:0011831, OMIM 607450.
Keratosis palmoplantaris striata 2. Also called: Keratosis palmoplantaris striata II; KERATODERMA, PALMOPLANTAR, STRIATE FORM II; STRIATE PALMOPLANTAR KERATODERMA II. Identifiers: MedGen C1852127, MONDO:0013034, OMIM 612908.
Cardiomyopathy (CMYO). Also called: Cardiomyopathies. Identifiers: Orphanet 167848, MedGen C0878544, MONDO:0004994, HP:0001638. Inheritance: Various modes of inheritance.

Allele frequency attached by ClinVar (database versions not stated): gnomAD exomes 0.00002 and 0.00004; ExAC 0.00004.

Submissions (2):

Fulgent Genetics
Classification: Uncertain significance for Arrhythmogenic cardiomyopathy with wooly hair and keratoderma; Arrhythmogenic right ventricular dysplasia 8; Lethal acantholytic epidermolysis bullosa; Keratosis palmoplantaris striata 2; Cardiomyopathy, dilated, with wooly hair, keratoderma, and tooth agenesis. Last evaluated: 2021-07-13. Review status: criteria provided, single submitter. Criteria: ACMG Guidelines, 2015. Collection method: clinical testing. Allele origin: unknown.

Color Diagnostics, LLC DBA Color Health
Classification: Uncertain significance for Cardiomyopathy. Last evaluated: 2020-01-22. Review status: criteria provided, single submitter. Criteria: ACMG Guidelines, 2015. Collection method: clinical testing. Allele origin: germline.
Comment: This missense variant replaces glutamine with arginine at codon 473 of the DSP protein. Computational prediction suggests that this variant may not impact protein structure and function (internally defined REVEL score threshold <= 0.5, PMID: 27666373). Splice site prediction tools suggest that this variant may not impact RNA splicing. To our knowledge, functional studies have not been performed for this variant. This variant has not been reported in individuals affected with cardiovascular disorders in the literature. This variant has been identified in 10/250900 chromosomes in the general population by the Genome Aggregation Database (gnomAD). The available evidence is insufficient to determine the role of this variant in disease conclusively. Therefore, this variant is classified as a Variant of Uncertain Significance.